The following is an entry in ClinVar:

ClinVar aggregate classification (germline): Benign/Likely benign. Review status: criteria provided, multiple submitters, no conflicts (2 of 4 stars). 3 submissions from 3 submitters: Benign (1); Likely benign (1). 1 of the submissions does not count toward it. Last evaluated 2025-08-07.

Conditions:
CTR9-related disorder. Also called: CTR9-related condition.

Allele frequency attached by ClinVar (database versions not stated): gnomAD 0.00012 and 0.00017; ESP Exome Variant Server 0.00015; TOPMed 0.00015; gnomAD exomes 0.00018 and 0.00026; 1000 Genomes Project 0.00020; ExAC 0.00030; 1000 Genomes Project 30x 0.00031.
gnomAD v4.1: 290 of 1,612,142 alleles (0.018%); highest among the groups gnomAD compares: Middle Eastern, 0.17%; 2 homozygotes.

Submissions (3):

Labcorp Genetics (formerly Invitae), Labcorp
Classification: Benign. Last evaluated: 2025-08-07. Review status: criteria provided, single submitter. Criteria: Invitae Variant Classification Sherloc (09022015). Collection method: clinical testing. Allele origin: germline.

CeGaT Center for Human Genetics Tuebingen
Classification: Likely benign. Last evaluated: 2024-08-01. Review status: criteria provided, single submitter. Criteria: CeGaT Center For Human Genetics Tuebingen Variant Classification Criteria Version 2. Collection method: clinical testing. Allele origin: germline. Affected: yes. Observed: 2 variant alleles.
Comment: CTR9: BP4, BP7

PreventionGenetics, part of Exact Sciences
Classification: Likely benign for CTR9-related condition. Last evaluated: 2019-04-24. Review status: no assertion criteria provided. Collection method: clinical testing. Allele origin: germline. Not counted in ClinVar's aggregate classification.
Comment: This variant is classified as likely benign based on ACMG/AMP sequence variant interpretation guidelines (Richards et al. 2015 PMID: 25741868, with internal and published modifications).

NM_014633.5(CTR9):c.1455G>A (p.Ala485=)

Genes: CTR9 (CTR9 component of Paf1/RNA polymerase II complex; plus strand), LOC126861140 (CDK7 strongly-dependent group 2 enhancer GRCh37_chr11:10785333-10786532; plus strand). Cytogenetic location: 11p15.4.
Variant type: single nucleotide variant.
Coding change: c.1455G>A on transcript NM_014633.5 (MANE Select); coding-DNA position 1455, G replaced by A.
Protein change: p.Ala485=; no amino-acid change (alanine 485 retained).
Molecular consequence: synonymous variant.
Genome position (GRCh38, 1-based): chr11:10,764,589, G>A. VCF-style: chr11-10764589-G-A. GRCh37 (hg19) VCF-style: chr11-10786136-G-A.
Other names: c.1455G>A (NM_014633.4); c.1455G>A, p.Ala485= (NM_001346279.2).
Identifiers: ClinVar variation 1170439 (VCV001170439.34), dbSNP rs368774420, ClinGen allele CA5885109.
Genomic context (GRCh38, chr11:10,764,589, plus strand): 5'-TGATTTTTCTTTCTCATAGAAATATTTTTTGGCGTCATTGGACCGTGCAAAAGCAGAAGC[G>A]GAACACGATGAGCATTACTATAACGCCATTTCCGTTACCACGTCATATAATCTCGCCAGG-3'
Protein context (NP_055448.1, residues 475-495): LASLDRAKAE[Ala485=]EHDEHYYNAI